The following is an entry in ClinVar:

ClinVar aggregate classification (germline): Likely benign. Review status: criteria provided, multiple submitters, no conflicts (2 of 4 stars). 3 submissions from 3 submitters: Likely benign (2). 1 of the submissions does not count toward it. Last evaluated 2024-12-10.

Conditions:
Rubinstein-Taybi syndrome (RSTS). Identifiers: Orphanet 783, MedGen C0035934, MONDO:0019188.
CREBBP-related disorder. Also called: CREBBP-related disorders; CREBBP-related condition.
Inborn genetic diseases. Identifiers: MedGen C0950123, MeSH D030342.

Allele frequency attached by ClinVar (database versions not stated): ExAC 0.00002; TOPMed 0.00016.
gnomAD v4.1: 32 of 1,613,868 alleles (0.002%); highest among the groups gnomAD compares: African/African-American, 0.027%; no homozygotes.

Submissions (3):

Labcorp Genetics (formerly Invitae), Labcorp
Classification: Likely benign for Rubinstein-Taybi syndrome. Last evaluated: 2024-12-10. Review status: criteria provided, single submitter. Criteria: Invitae Variant Classification Sherloc (09022015). Collection method: clinical testing. Allele origin: germline.

Ambry Genetics
Classification: Likely benign for Inborn genetic diseases. Last evaluated: 2021-11-11. Review status: criteria provided, single submitter. Criteria: Ambry Variant Classification Scheme 2023. Collection method: clinical testing. Allele origin: germline.

PreventionGenetics, part of Exact Sciences
Classification: Likely benign for CREBBP-related condition. Last evaluated: 2024-02-13. Review status: no assertion criteria provided. Collection method: clinical testing. Allele origin: germline. Not counted in ClinVar's aggregate classification.
Comment: This variant is classified as likely benign based on ACMG/AMP sequence variant interpretation guidelines (Richards et al. 2015 PMID: 25741868, with internal and published modifications).

NM_004380.3(CREBBP):c.6548C>T (p.Ala2183Val)

Gene: CREBBP (CREB binding lysine acetyltransferase; minus strand). Cytogenetic location: 16p13.3.
Variant type: single nucleotide variant.
Coding change: c.6548C>T on transcript NM_004380.3 (MANE Select); coding-DNA position 6548, C replaced by T.
Protein change: p.Ala2183Val; replaces alanine 2183 with valine.
Molecular consequence: missense variant.
Genome position (GRCh38, 1-based): chr16:3,728,499, G>A on the plus strand (C>T on the coding strand, the complement: CREBBP is on the minus strand). VCF-style: chr16-3728499-G-A. GRCh37 (hg19) VCF-style: chr16-3778500-G-A.
Other names: c.6434C>T, p.Ala2145Val (NM_001079846.1); short protein forms A2183V, A2145V.
Identifiers: ClinVar variation 2012205 (VCV002012205.8), dbSNP rs779996604, ClinGen allele CA7869082.
Genomic context (GRCh38, chr16:3,728,499, plus strand): 5'-TGCTGCTGCTGCTGCAGCAGCTGCCTCCGTAACATTTCTCGGTACTGTGGATTCATACTC[G>A]CCATGTTGGGGTTGTGTCCTGGGTTCATGATGTTCAAGGCCTGGCCCTGGGGGTTCAGGC-3'
Protein context (NP_004371.2, residues 2173-2193): IMNPGHNPNM[Ala2183Val]SMNPQYREML